The following is an entry in ClinVar:

ClinVar aggregate classification (germline): Uncertain significance. Review status: criteria provided, multiple submitters, no conflicts (2 of 4 stars). 2 submissions from 2 submitters: Uncertain significance (2). Last evaluated 2024-10-13.

Conditions:
Hereditary cancer-predisposing syndrome. Also called: Neoplastic Syndromes, Hereditary; Tumor predisposition; Hereditary Cancer Syndrome; Hereditary neoplastic syndrome. Identifiers: Orphanet 140162, MedGen C0027672, MeSH D009386, MONDO:0015356.
Gastrointestinal stromal tumor. Also called: Gastrointestinal stromal tumor, somatic; Gastrointestinal stroma tumor. Identifiers: Orphanet 44890, MedGen C0238198, MeSH D046152, MONDO:0011719, OMIM 606764, HP:0100723.

Submissions (2):

Ambry Genetics
Classification: Uncertain significance for Hereditary cancer-predisposing syndrome. Last evaluated: 2024-10-13. Review status: criteria provided, single submitter. Criteria: Ambry Variant Classification Scheme 2023. Collection method: clinical testing. Allele origin: germline.
Comment: The p.I269V variant (also known as c.805A>G), located in coding exon 5 of the PDGFRA gene, results from an A to G substitution at nucleotide position 805. The isoleucine at codon 269 is replaced by valine, an amino acid with highly similar properties. This amino acid position is not well conserved in available vertebrate species. In addition, this alteration is predicted to be tolerated by in silico analysis. Since supporting evidence is limited at this time, the clinical significance of this alteration remains unclear.

Labcorp Genetics (formerly Invitae), Labcorp
Classification: Uncertain significance for Gastrointestinal stromal tumor. Last evaluated: 2024-01-24. Review status: criteria provided, single submitter. Criteria: Invitae Variant Classification Sherloc (09022015). Collection method: clinical testing. Allele origin: germline.
Comment: This sequence change replaces isoleucine, which is neutral and non-polar, with valine, which is neutral and non-polar, at codon 269 of the PDGFRA protein (p.Ile269Val). This variant is not present in population databases (gnomAD no frequency). This variant has not been reported in the literature in individuals affected with PDGFRA-related conditions. ClinVar contains an entry for this variant (Variation ID: 1761832). Advanced modeling of protein sequence and biophysical properties (such as structural, functional, and spatial information, amino acid conservation, physicochemical variation, residue mobility, and thermodynamic stability) performed at Invitae indicates that this missense variant is not expected to disrupt PDGFRA protein function with a negative predictive value of 80%. In summary, the available evidence is currently insufficient to determine the role of this variant in disease. Therefore, it has been classified as a Variant of Uncertain Significance.

NM_006206.6(PDGFRA):c.805A>G (p.Ile269Val)

Gene: PDGFRA (platelet derived growth factor receptor alpha; plus strand). Cytogenetic location: 4q12.
Variant type: single nucleotide variant.
Coding change: c.805A>G on transcript NM_006206.6 (MANE Select); coding-DNA position 805, A replaced by G.
Protein change: p.Ile269Val; replaces isoleucine 269 with valine.
Molecular consequence: missense variant.
Genome position (GRCh38, 1-based): chr4:54,267,334, A>G. VCF-style: chr4-54267334-A-G. GRCh37 (hg19) VCF-style: chr4-55133501-A-G.
Other names: c.805A>G, p.Ile269Val (NM_001347827.2, NM_001347829.2); c.880A>G, p.Ile294Val (NM_001347828.2); c.844A>G, p.Ile282Val (NM_001347830.2); short protein forms I282V, I269V, I294V.
Identifiers: ClinVar variation 1761832 (VCV001761832.4), dbSNP rs2475453142, ClinGen allele CA356891144.